The following is an entry in ClinVar:

NM_194248.3(OTOF):c.4718T>C (p.Ile1573Thr)

Gene: OTOF (otoferlin; minus strand). Cytogenetic location: 2p23.3.
Variant type: single nucleotide variant.
Coding change: c.4718T>C on transcript NM_194248.3 (MANE Select); coding-DNA position 4718, T replaced by C.
Protein change: p.Ile1573Thr; replaces isoleucine 1573 with threonine.
Molecular consequence: missense variant.
Genome position (GRCh38, 1-based): chr2:26,465,753, A>G on the plus strand (T>C on the coding strand, the complement: OTOF is on the minus strand). VCF-style: chr2-26465753-A-G. GRCh37 (hg19) VCF-style: chr2-26688621-A-G.
Other names: c.4718T>C, p.Ile1573Thr (NM_001287489.2); c.2417T>C, p.Ile806Thr (NM_004802.4, NM_194323.3); c.2648T>C, p.Ile883Thr (NM_194322.3); short protein forms I1573T, I806T, I883T.
Identifiers: ClinVar variation 48240 (VCV000048240.21), dbSNP rs111033405, ClinGen allele CA344698.
Genomic context (GRCh38, chr2:26,465,753, plus strand): 5'-CCGCAGGTGGCGCGGTGCTTGCTGTAGAAGCGGTTCTCCAGGTCGATCTTGGTTTCCCCA[A>G]TGAGGTCATCAGTGCCCACCAGGTCCCAGTCATACACAGCCACCGTCAGCATGGATTCCA-3'
Protein context (NP_919224.1, residues 1563-1583): DWDLVGTDDL[Ile1573Thr]GETKIDLENR

ClinVar aggregate classification (germline): Pathogenic/Likely pathogenic. Review status: criteria provided, multiple submitters, no conflicts (2 of 4 stars). 14 submissions from 14 submitters: Pathogenic (7); Likely pathogenic (4). 3 of the submissions do not count toward it. Last evaluated 2026-01-13.

Conditions:
OTOF-related disorder. Also called: OTOF-related condition.
Rare genetic deafness. Identifiers: Orphanet 96210, MedGen C5680250.
Nonsyndromic genetic hearing loss. Also called: Nonsyndromic hearing loss and deafness; Non-syndromic genetic deafness; Nonsyndromic genetic deafness. Identifiers: Orphanet 87884, MedGen C5680182, MONDO:0019497.
Autosomal recessive nonsyndromic hearing loss 9. Also called: OTOF-Related Hearing Loss; Deafness, autosomal recessive 9; NEUROSENSORY NONSYNDROMIC RECESSIVE DEAFNESS 9; AUDITORY NEUROPATHY, AUTOSOMAL RECESSIVE, 1, TEMPERATURE-SENSITIVE. Identifiers: Orphanet 90636, MedGen C1832828, MONDO:0010986, OMIM 601071.
Bilateral sensorineural hearing impairment. Also called: Bilateral sensorineural hearing loss. Identifiers: MedGen C0452138, HP:0008619.

Allele frequency attached by ClinVar (database versions not stated): gnomAD 0.00002; TOPMed 0.00002; gnomAD exomes 0.00003 and 0.00004; ExAC 0.00005.
gnomAD v4.1: 50 of 1,614,094 alleles (0.0031%); highest among the groups gnomAD compares: African/African-American, 0.004%; no homozygotes.

Submissions (14):

Labcorp Genetics (formerly Invitae), Labcorp
Classification: Pathogenic. Last evaluated: 2026-01-13. Review status: criteria provided, single submitter. Criteria: Invitae Variant Classification Sherloc (09022015). Collection method: clinical testing. Allele origin: germline.
Comment: This sequence change replaces isoleucine, which is neutral and non-polar, with threonine, which is neutral and polar, at codon 1573 of the OTOF protein (p.Ile1573Thr). This variant is present in population databases (rs111033405, gnomAD 0.008%). This missense change has been observed in individual(s) with deafness (PMID: 21117948, 24746455, 34536124). It has also been observed to segregate with disease in related individuals. ClinVar contains an entry for this variant (Variation ID: 48240). Invitae Evidence Modeling of protein sequence and biophysical properties (such as structural, functional, and spatial information, amino acid conservation, physicochemical variation, residue mobility, and thermodynamic stability) has been performed for this missense variant. However, the output from this modeling did not meet the statistical confidence thresholds required to predict the impact of this variant on OTOF protein function. For these reasons, this variant has been classified as Pathogenic.

PreventionGenetics, part of Exact Sciences
Classification: Pathogenic for OTOF-related condition. Last evaluated: 2026-01-03. Review status: criteria provided, single submitter. Criteria: ACMG Guidelines, 2015. Collection method: clinical testing. Allele origin: germline.
Comment: The OTOF c.4718T>C variant is predicted to result in the amino acid substitution p.Ile1573Thr. This variant was reported, in the homozygous state or in the heterozygous state along with a protein-truncating variant, in multiple individuals with non-syndromic hearing loss and/or auditory neuropathy (Duman et al. 2011. PubMed ID: 21117948; Yildirim-Baylan et al. 2014. PubMed ID: 24746455; Table S5, Wu et al. 2022. PubMed ID: 35982127; Iwasa et al. 2022. PubMed ID: 34536124). This variant is reported in 0.0079% of alleles in individuals of European (Non-Finnish) descent in gnomAD. This variant is interpreted as pathogenic.

Blueprint Genetics
Classification: Pathogenic for OTOF-related disorders. Last evaluated: 2024-03-12. Review status: criteria provided, single submitter. Criteria: ACMG Guidelines, 2015. Collection method: clinical testing. Allele origin: germline. Affected: yes. Observed: 5 variant alleles.

Clinical Genetics Laboratory, Skane University Hospital Lund
Classification: Likely pathogenic. Last evaluated: 2024-01-11. Review status: criteria provided, single submitter. Criteria: ACMG Guidelines, 2015. Collection method: clinical testing. Allele origin: germline. Affected: yes.

GeneDx
Classification: Pathogenic. Last evaluated: 2023-11-17. Review status: criteria provided, single submitter. Criteria: GeneDx Variant Classification Process June 2021. Collection method: clinical testing. Allele origin: germline. Affected: yes.
Comment: In silico analysis supports that this missense variant has a deleterious effect on protein structure/function; This variant is associated with the following publications: (PMID: 20301429, 34426522, 31589614, 35114279, 36147510, 34652575, 21117948, 26445815, 34536124, 35982127, 24746455)

Department of Pathology and Laboratory Medicine, Sinai Health System
Classification: Likely pathogenic for Autosomal recessive nonsyndromic hearing loss 9. Last evaluated: 2023-06-28. Review status: criteria provided, single submitter. Criteria: ACMG Guidelines, 2015. Collection method: research. Allele origin: germline.

Neuberg Centre For Genomic Medicine, NCGM
Classification: Likely pathogenic for Autosomal recessive nonsyndromic hearing loss 9. Last evaluated: 2023-03-01. Review status: criteria provided, single submitter. Criteria: ACMG Guidelines, 2015. Collection method: clinical testing. Allele origin: germline. Inheritance: Autosomal recessive inheritance. Affected: yes.
Comment: The missense c.4718T>C (p.Ile1573Thr) variant in the OTOF gene has been reported in the literature in multiple homozygous and compound heterozygous individuals affected with Nonsyndromic Hearing Loss and Deafness, Type 9 (Iwasa, Yoh-Ichiro et al.,2022) . This variant is reported with the allele frequency (0.003%) in the gnomAD Exomes and novel in 1000 Genomes. It is submitted to ClinVar as Pathogenic/Likely Pathogenic. The amino acid Isoleucine at position 1573 is changed to a Threonine changing protein sequence and it might alter its composition and physico-chemical properties. This variant has been reported to the ClinVar database as Pathogenic/ Likely Pathogenic. The variant is predicted as damaging by SIFT. The amino acid change p.Ile1573Thr in OTOF is predicted as conserved by GERP++ and PhyloP across 100 vertebrates. For these reasons, this variant has been classified as Likely Pathogenic.

Women's Health and Genetics/Laboratory Corporation of America, LabCorp
Classification: Pathogenic for Nonsyndromic genetic hearing loss. Last evaluated: 2021-10-08. Review status: criteria provided, single submitter. Criteria: LabCorp Variant Classification Summary - May 2015. Collection method: clinical testing. Allele origin: germline.
Comment: Variant summary: OTOF c.4718T>C (p.Ile1573Thr) results in a non-conservative amino acid change located in the sixth C2 domain (IPR000008) of the encoded protein sequence. Five of five in-silico tools predict a damaging effect of the variant on protein function. The variant allele was found at a frequency of 4e-05 in 251476 control chromosomes (gnomAD). This frequency is not significantly higher than expected for a pathogenic variant in OTOF causing Nonsyndromic Hearing Loss and Deafness, Type 9 (0.0011), allowing no conclusion about variant significance. c.4718T>C has been reported in the literature in multiple homozygous and compound heterozygous individuals affected with Nonsyndromic Hearing Loss and Deafness, Type 9 (Duman_2011, Yildirim-Baylan_2014, Sloan-Heggen_2015, Iwasa_2021). These data indicate that the variant is very likely to be associated with disease. To our knowledge, no experimental evidence demonstrating an impact on protein function has been reported. One submitter has provided clinical-significance assessments for this variant to ClinVar after 2014 without evidence for independent evaluation. Based on the evidence outlined above, the variant was classified as pathogenic.

Fulgent Genetics
Classification: Likely pathogenic for Autosomal recessive nonsyndromic hearing loss 9. Last evaluated: 2021-08-04. Review status: criteria provided, single submitter. Criteria: ACMG Guidelines, 2015. Collection method: clinical testing. Allele origin: unknown.

Genetics Research Center, University of Social Welfare and Rehabilitation Sciences
Classification: Pathogenic for Autosomal recessive nonsyndromic hearing loss 9. Review status: criteria provided, single submitter. Criteria: ACMG Guidelines, 2015. Collection method: research. Allele origin: germline. Affected: yes.
Comment: The variant is present in the gnomAD v2.1.1 dataset at a very low allele frequency (0.004%) and has been previously reported in individual(s) affected with OTOF-related hearing loss (PMID:26445815, 20301429, 34652575, 34536124, 33256196, 32906206, 31589614, 29484972, 27729456, 27082237, 24746455, 22906306, 21117948). It has also been observed to segregate with disease in the family. The variant is predicted to be damaging by multiple in-silico prediction tools.

Laboratory of Human Genetics, Institute of Biosciences - University of Sao Paulo
Classification: Pathogenic for Bilateral sensorineural hearing impairment. Review status: criteria provided, single submitter. Criteria: ClinGen HL ACMG Specifications v1. Collection method: research. Allele origin: germline. Affected: yes. Observed: 1 homozygote.

Diagnosis and Treatment Center of Genetic Hearing Loss, Eye & ENT Hospital of Fudan University
Classification: Pathogenic for Autosomal recessive nonsyndromic hearing loss 9. Last evaluated: 2026-02-04. Review status: no assertion criteria provided. Collection method: clinical testing. Allele origin: germline. Inheritance: Autosomal recessive inheritance. Affected: yes. Clinical features observed: hearing loss. Not counted in ClinVar's aggregate classification.
Comment: The c.4718T>C missense variant in OTOF has a population frequency of 0.00004 (PM2_Supporting). It has been reported in at least two patients: one in trans with a likely pathogenic variant (c.[4718T>C];[4129_4138del]) and one homozygous; our laboratory also identified it in trans with c.4129_4138del (PM3_Strong). In one 7‑member family, four affected siblings were homozygous (PP1_Strong). The REVEL score is 0.917 (PP3_Moderate).

Laboratory for Molecular Medicine, Mass General Brigham Personalized Medicine
Classification: Likely pathogenic for Rare genetic deafness. Last evaluated: 2008-12-02. Review status: no assertion criteria provided. Collection method: clinical testing. Allele origin: germline. Observed: 2 variant alleles. Not counted in ClinVar's aggregate classification.

GeneReviews
No classification provided. Condition: Autosomal recessive nonsyndromic hearing loss 9. Review status: no classification provided. Collection method: literature only. Allele origin: germline. Affected: yes. Not counted in ClinVar's aggregate classification.

Literature cited by the submitters: PubMed 21117948 (cited by 3 submitters); PubMed 24746455 (cited by 5 submitters); PubMed 34536124 (cited by 4 submitters); PubMed 32906206 (cited by Women's Health and Genetics/Laboratory Corporation of America, LabCorp and Genetics Research Center, University of Social Welfare and Rehabilitation Sciences); PubMed 31589614 (cited by Women's Health and Genetics/Laboratory Corporation of America, LabCorp and Genetics Research Center, University of Social Welfare and Rehabilitation Sciences); PubMed 27082237 (cited by Women's Health and Genetics/Laboratory Corporation of America, LabCorp and Genetics Research Center, University of Social Welfare and Rehabilitation Sciences); PubMed 22906306 (cited by Women's Health and Genetics/Laboratory Corporation of America, LabCorp and Genetics Research Center, University of Social Welfare and Rehabilitation Sciences); PubMed 26445815 (cited by Women's Health and Genetics/Laboratory Corporation of America, LabCorp and Genetics Research Center, University of Social Welfare and Rehabilitation Sciences); PubMed 27729456 (cited by Women's Health and Genetics/Laboratory Corporation of America, LabCorp and Genetics Research Center, University of Social Welfare and Rehabilitation Sciences); PubMed 29484972 (cited by Women's Health and Genetics/Laboratory Corporation of America, LabCorp and Genetics Research Center, University of Social Welfare and Rehabilitation Sciences); PubMed 33256196 (cited by Women's Health and Genetics/Laboratory Corporation of America, LabCorp and Genetics Research Center, University of Social Welfare and Rehabilitation Sciences); PubMed 20301429 (cited by Genetics Research Center, University of Social Welfare and Rehabilitation Sciences); PubMed 34652575 (cited by Genetics Research Center, University of Social Welfare and Rehabilitation Sciences and Laboratory of Human Genetics, Institute of Biosciences - University of Sao Paulo); PubMed 19461658 (cited by Laboratory of Human Genetics, Institute of Biosciences - University of Sao Paulo); NCBI Bookshelf NBK1251 (cited by GeneReviews).